The following is an entry in ClinVar:

NM_030773.4(TUBB1):c.330_334del (p.Glu111fs)

Gene: TUBB1 (tubulin beta 1 class VI; plus strand). Cytogenetic location: 20q13.32.
Variant type: Deletion.
Coding change: c.330_334del on transcript NM_030773.4 (MANE Select); coding-DNA positions 330 to 334, 5 bases deleted (CGAGC; older notation c.330_334delCGAGC).
Protein change: p.Glu111fs; shifts the reading frame from glutamic acid 111.
Molecular consequence: frameshift variant.
Genome position (GRCh38, 1-based): chr20:59,023,757-59,023,761, CGAGC deleted; deleting any 5 consecutive bases within chr20:59,023,753-59,023,761 gives the same sequence; the c. name uses the placement nearest the transcript's 3' end. VCF-style (leftmost placement, unchanged base first): chr20-59023752-GGAGCC-G. GRCh37 (hg19) VCF-style: chr20-57598807-GGAGCC-G.
Other names: short protein forms E111fs.
Identifiers: ClinVar variation 2879614 (VCV002879614.3), dbSNP rs1325913409, ClinGen allele CA636607883.

ClinVar aggregate classification (germline): Uncertain significance (1 of 4 stars; one submission).

Submission:

Labcorp Genetics (formerly Invitae), Labcorp
Classification: Uncertain significance. Last evaluated: 2023-11-24. Review status: criteria provided, single submitter. Criteria: Invitae Variant Classification Sherloc (09022015). Collection method: clinical testing. Allele origin: germline.
Comment: This sequence change creates a premature translational stop signal (p.Glu111Aspfs*13) in the TUBB1 gene. While this is not anticipated to result in nonsense mediated decay, it is expected to disrupt the last 341 amino acid(s) of the TUBB1 protein. This variant is present in population databases (no rsID available, gnomAD 0.01%). This variant has not been reported in the literature in individuals affected with TUBB1-related conditions. In summary, the available evidence is currently insufficient to determine the role of this variant in disease. Therefore, it has been classified as a Variant of Uncertain Significance.